The following is an entry in ClinVar:

ClinVar aggregate classification (germline): Uncertain significance (1 of 4 stars; one submission).

Submission:

Labcorp Genetics (formerly Invitae), Labcorp
Classification: Uncertain significance. Last evaluated: 2023-03-03. Review status: criteria provided, single submitter. Criteria: Invitae Variant Classification Sherloc (09022015). Collection method: clinical testing. Allele origin: germline.
Comment: This sequence change replaces alanine, which is neutral and non-polar, with aspartic acid, which is acidic and polar, at codon 1325 of the ALPK3 protein (p.Ala1325Asp). This variant is not present in population databases (gnomAD no frequency). This variant has not been reported in the literature in individuals affected with ALPK3-related conditions. An algorithm developed to predict the effect of missense changes on protein structure and function (PolyPhen-2) suggests that this variant is likely to be tolerated. In summary, the available evidence is currently insufficient to determine the role of this variant in disease. Therefore, it has been classified as a Variant of Uncertain Significance.

NM_020778.5(ALPK3):c.3368C>A (p.Ala1123Asp)

Gene: ALPK3 (alpha kinase 3; plus strand). Cytogenetic location: 15q25.3.
Variant type: single nucleotide variant.
Coding change: c.3368C>A on transcript NM_020778.5 (MANE Select); coding-DNA position 3368, C replaced by A.
Protein change: p.Ala1123Asp; replaces alanine 1123 with aspartic acid.
Molecular consequence: missense variant.
Genome position (GRCh38, 1-based): chr15:84,858,106, C>A. VCF-style: chr15-84858106-C-A. GRCh37 (hg19) VCF-style: chr15-85401337-C-A.
Other names: short protein forms A1123D.
Identifiers: ClinVar variation 2992111 (VCV002992111.3), dbSNP rs775253274, ClinGen allele CA393360126.
Genomic context (GRCh38, chr15:84,858,106, plus strand): 5'-TGGGGGCCTCTCAGGAGAGCAGCATGGCTGGTCGACTGGGGGAGGCGGGTGGGCAGGCAG[C>A]CCCTGGACAGGGGCCCTCAGCAGAGAGCATAGCCCAGGAGCCCTCCCAAGAGGAGAAGTT-3'
Protein context (NP_065829.4, residues 1113-1133): GRLGEAGGQA[Ala1123Asp]PGQGPSAESI